The following is an entry in ClinVar:

NM_000038.6(APC):c.5155G>T (p.Glu1719Ter)

Gene: APC (APC regulator of Wnt signaling pathway; plus strand). Cytogenetic location: 5q22.2.
Variant type: single nucleotide variant.
Coding change: c.5155G>T on transcript NM_000038.6 (MANE Select); coding-DNA position 5155, G replaced by T.
Protein change: p.Glu1719Ter; replaces glutamic acid 1719 with a stop codon.
Molecular consequence: nonsense. On other transcripts: non-coding transcript variant (2).
Genome position (GRCh38, 1-based): chr5:112,840,749, G>T. VCF-style: chr5-112840749-G-T. GRCh37 (hg19) VCF-style: chr5-112176446-G-T.
Other names: c.4852G>T, p.Glu1618Ter (NM_001354903.2, NM_001407458.1, NM_001407459.1 and 1 more transcripts); c.4777G>T, p.Glu1593Ter (NM_001354904.2); c.4675G>T, p.Glu1559Ter (NM_001354905.2); c.4306G>T, p.Glu1436Ter (NM_001354906.2, NM_001407470.1); c.5239G>T, p.Glu1747Ter (NM_001407446.1); c.5209G>T, p.Glu1737Ter (NM_001407447.1, NM_001407448.1, NM_001407449.1 and 1 more transcripts); c.4978G>T, p.Glu1660Ter (NM_001354901.2, NM_001407453.1); c.4882G>T, p.Glu1628Ter (NM_001354902.2); and 11 more; short protein forms E1436*, E1618*, E1712*, E1737*, E1590*, E1709*, E1747*, E1335*.
Identifiers: ClinVar variation 2447195 (VCV002447195.5), dbSNP rs2149933395, ClinGen allele CA16032599.

ClinVar aggregate classification (germline): Pathogenic/Likely pathogenic. Review status: criteria provided, multiple submitters, no conflicts (2 of 4 stars). 2 submissions from 2 submitters: Pathogenic (1); Likely pathogenic (1). Last evaluated 2025-10-24.

Conditions:
Hereditary cancer-predisposing syndrome. Also called: Neoplastic Syndromes, Hereditary; Hereditary Cancer Syndrome; Tumor predisposition; Hereditary neoplastic syndrome. Identifiers: Orphanet 140162, MedGen C0027672, MeSH D009386, MONDO:0015356.
Familial adenomatous polyposis 1 (FAP1). Also called: FAMILIAL ADENOMATOUS POLYPOSIS 1, ATTENUATED; POLYPOSIS, ADENOMATOUS INTESTINAL. Identifiers: MedGen C2713442, MONDO:0021056, OMIM 175100. Disease mechanism: loss of function.

Submissions (2):

Ambry Genetics
Classification: Likely pathogenic for Hereditary cancer-predisposing syndrome. Last evaluated: 2025-10-24. Review status: criteria provided, single submitter. Criteria: Ambry Variant Classification Scheme 2023. Collection method: clinical testing. Allele origin: germline.
Comment: The p.E1719* variant (also known as c.5155G>T), located in coding exon 15 of the APC gene, results from a G to T substitution at nucleotide position 5155. This changes the amino acid from a glutamic acid to a stop codon within coding exon 15. This alteration occurs at the 3' terminus of theAPC gene, is not expected to trigger nonsense-mediated mRNA decay, and impacts the last 40% of the protein. However, premature stop codons are typically deleterious in nature and the impacted region is critical for protein function (Ambry internal data). This variant was reported in individual(s) with features consistent with APC-related familial adenomatous polyposis (Ambry internal data). This variant is considered to be rare based on population cohorts in the Genome Aggregation Database (gnomAD). Based on the majority of available evidence to date, this variant is likely to be pathogenic

Myriad Genetics, Inc.
Classification: Pathogenic for Familial adenomatous polyposis 1. Last evaluated: 2023-05-12. Review status: criteria provided, single submitter. Criteria: Myriad Autosomal Dominant, Autosomal Recessive and X-Linked Classification Criteria (2023). Collection method: clinical testing. Allele origin: unknown.
Comment: This variant is considered pathogenic. This variant creates a termination codon and is predicted to result in premature protein truncation.